The following is an entry in ClinVar:

ClinVar aggregate classification (germline): Uncertain significance (1 of 4 stars; one submission).

Conditions:
Hereditary cancer-predisposing syndrome. Also called: Hereditary Cancer Syndrome; Hereditary neoplastic syndrome; Neoplastic Syndromes, Hereditary; Tumor predisposition. Identifiers: Orphanet 140162, MedGen C0027672, MeSH D009386, MONDO:0015356.

Submission:

Ambry Genetics
Classification: Uncertain significance for Hereditary cancer-predisposing syndrome. Last evaluated: 2021-05-12. Review status: criteria provided, single submitter. Criteria: Ambry Variant Classification Scheme 2023. Collection method: clinical testing. Allele origin: germline.
Comment: The p.Q460E variant (also known as c.1378C>G), located in coding exon 10 of the NBN gene, results from a C to G substitution at nucleotide position 1378. The glutamine at codon 460 is replaced by glutamic acid, an amino acid with highly similar properties. This amino acid position is well conserved in available vertebrate species. In addition, this alteration is predicted to be tolerated by in silico analysis. Since supporting evidence is limited at this time, the clinical significance of this alteration remains unclear.

NM_002485.5(NBN):c.1378C>G (p.Gln460Glu)

Gene: NBN (nibrin; minus strand). Cytogenetic location: 8q21.3.
Variant type: single nucleotide variant.
Coding change: c.1378C>G on transcript NM_002485.5 (MANE Select); coding-DNA position 1378, C replaced by G.
Protein change: p.Gln460Glu; replaces glutamine 460 with glutamic acid.
Molecular consequence: missense variant.
Genome position (GRCh38, 1-based): chr8:89,955,302, G>C on the plus strand (C>G on the coding strand, the complement: NBN is on the minus strand). VCF-style: chr8-89955302-G-C. GRCh37 (hg19) VCF-style: chr8-90967530-G-C.
Other names: c.1132C>G, p.Gln378Glu (NM_001024688.3); short protein forms Q378E, Q460E.
Identifiers: ClinVar variation 1771215 (VCV001771215.2), dbSNP rs2129716945, ClinGen allele CA371655989.